The following is an entry in ClinVar:

ClinVar aggregate classification (germline): Uncertain significance (1 of 4 stars; one submission).

Submission:

GeneDx
Classification: Uncertain significance. Last evaluated: 2026-01-25. Review status: criteria provided, single submitter. Criteria: GeneDx Variant Classification Process June 2021. Collection method: clinical testing. Allele origin: germline.
Comment: Not observed at significant frequency in large population cohorts (gnomAD); In silico analysis suggests that this missense variant does not alter protein structure/function; Has not been previously published as pathogenic or benign to our knowledge

NM_001134407.3(GRIN2A):c.3313T>C (p.Tyr1105His)

Gene: GRIN2A (glutamate ionotropic receptor NMDA type subunit 2A; minus strand). Cytogenetic location: 16p13.2.
Variant type: single nucleotide variant.
Coding change: c.3313T>C on transcript NM_001134407.3 (MANE Select); coding-DNA position 3313, T replaced by C.
Protein change: p.Tyr1105His; replaces tyrosine 1105 with histidine.
Molecular consequence: missense variant.
Genome position (GRCh38, 1-based): chr16:9,764,231, A>G on the plus strand (T>C on the coding strand, the complement: GRIN2A is on the minus strand). VCF-style: chr16-9764231-A-G. GRCh37 (hg19) VCF-style: chr16-9858088-A-G.
Other names: c.3313T>C, p.Tyr1105His (NM_000833.5, NM_001134408.2); short protein forms Y1105H.
Identifiers: ClinVar variation 4975674 (VCV004975674.1).
Genomic context (GRCh38, chr16:9,764,231, plus strand): 5'-CCTTCTCACCATCTATAGTGTAGATCTTGTCTCTAGGGGAGCTTGATTTGGTTTTCAGGT[A>G]GGTGCGCTCGACCTCACTACAGTCCTTGGGGTATTTGGAGGCCACTGACCTTTTAAAGTT-3'
Protein context (NP_001127879.1, residues 1095-1115): PKDCSEVERT[Tyr1105His]LKTKSSSPRD